The following is an entry in ClinVar:

ClinVar aggregate classification (germline): Uncertain significance. Review status: criteria provided, multiple submitters, no conflicts (2 of 4 stars). 3 submissions from 3 submitters: Uncertain significance (3). Last evaluated 2026-02-07.

Conditions:
SCLT1-related disorder. Also called: SCLT1-related condition.

Allele frequency attached by ClinVar (database versions not stated): TOPMed below 0.00001.

Submissions (3):

PreventionGenetics, part of Exact Sciences
Classification: Uncertain significance for SCLT1-related condition. Last evaluated: 2026-02-07. Review status: criteria provided, single submitter. Criteria: ACMG Guidelines, 2015. Collection method: clinical testing. Allele origin: germline.
Comment: The SCLT1 c.1438G>C variant is predicted to result in the amino acid substitution p.Asp480His. To our knowledge, this variant has not been reported in the literature or in a large population database (gnomAD), indicating this variant is rare. At this time, the clinical significance of this variant is uncertain due to the absence of conclusive functional and genetic evidence.

Ambry Genetics
Classification: Uncertain significance. Last evaluated: 2022-09-06. Review status: criteria provided, single submitter. Criteria: Ambry Variant Classification Scheme 2023. Collection method: clinical testing. Allele origin: germline.

Labcorp Genetics (formerly Invitae), Labcorp
Classification: Uncertain significance. Last evaluated: 2022-02-18. Review status: criteria provided, single submitter. Criteria: Invitae Variant Classification Sherloc (09022015). Collection method: clinical testing. Allele origin: germline.
Comment: This sequence change replaces aspartic acid, which is acidic and polar, with histidine, which is basic and polar, at codon 480 of the SCLT1 protein (p.Asp480His). This variant is not present in population databases (gnomAD no frequency). This variant has not been reported in the literature in individuals affected with SCLT1-related conditions. Algorithms developed to predict the effect of missense changes on protein structure and function (SIFT, PolyPhen-2, Align-GVGD) all suggest that this variant is likely to be tolerated. In summary, the available evidence is currently insufficient to determine the role of this variant in disease. Therefore, it has been classified as a Variant of Uncertain Significance.

NM_144643.4(SCLT1):c.1438G>C (p.Asp480His)

Gene: SCLT1 (sodium channel and clathrin linker 1; minus strand). Cytogenetic location: 4q28.2.
Variant type: single nucleotide variant.
Coding change: c.1438G>C on transcript NM_144643.4 (MANE Select); coding-DNA position 1438, G replaced by C.
Protein change: p.Asp480His; replaces aspartic acid 480 with histidine.
Molecular consequence: missense variant.
Genome position (GRCh38, 1-based): chr4:128,946,008, C>G on the plus strand (G>C on the coding strand, the complement: SCLT1 is on the minus strand). VCF-style: chr4-128946008-C-G. GRCh37 (hg19) VCF-style: chr4-129867163-C-G.
Other names: c.1438G>C, p.Glu480Gln (NM_001410807.1); c.1438G>C (NM_144643.3); short protein forms D480H, E480Q.
Identifiers: ClinVar variation 2098878 (VCV002098878.3), dbSNP rs746688024, ClinGen allele CA358186387.